The following is an entry in ClinVar:

NM_012188.5(FOXI1):c.793G>T (p.Glu265Ter)

Gene: FOXI1 (forkhead box I1; plus strand). Cytogenetic location: 5q35.1.
Variant type: single nucleotide variant.
Coding change: c.793G>T on transcript NM_012188.5 (MANE Select); coding-DNA position 793, G replaced by T.
Protein change: p.Glu265Ter; replaces glutamic acid 265 with a stop codon.
Molecular consequence: nonsense. On other transcripts: intron variant (1).
Genome position (GRCh38, 1-based): chr5:170,108,267, G>T. VCF-style: chr5-170108267-G-T. GRCh37 (hg19) VCF-style: chr5-169535271-G-T.
Other names: c.575-67G>T (NM_144769.4); short protein forms E265*.
Identifiers: ClinVar variation 2091235 (VCV002091235.4), dbSNP rs2532550432, ClinGen allele CA362127377.

ClinVar aggregate classification (germline): Uncertain significance (1 of 4 stars; one submission).

Submission:

Labcorp Genetics (formerly Invitae), Labcorp
Classification: Uncertain significance. Last evaluated: 2024-04-15. Review status: criteria provided, single submitter. Criteria: Invitae Variant Classification Sherloc (09022015). Collection method: clinical testing. Allele origin: germline.
Comment: This sequence change creates a premature translational stop signal (p.Glu265*) in the FOXI1 gene. While this is not anticipated to result in nonsense mediated decay, it is expected to disrupt the last 114 amino acid(s) of the FOXI1 protein. This variant is not present in population databases (gnomAD no frequency). This variant has not been reported in the literature in individuals affected with FOXI1-related conditions. ClinVar contains an entry for this variant (Variation ID: 2091235). Experimental studies and prediction algorithms are not available or were not evaluated, and the functional significance of this variant is currently unknown. In summary, the available evidence is currently insufficient to determine the role of this variant in disease. Therefore, it has been classified as a Variant of Uncertain Significance.